The following is an entry in ClinVar:

ClinVar aggregate classification (germline): Pathogenic. Review status: criteria provided, multiple submitters, no conflicts (2 of 4 stars). 3 submissions from 3 submitters: Pathogenic (2). 1 of the submissions does not count toward it. Last evaluated 2025-04-21.

Conditions:
Familial cancer of breast. Also called: BREAST CANCER, FAMILIAL; Hereditary breast cancer; hereditary breast carcinoma. Identifiers: Orphanet 227535, MedGen C0346153, MONDO:0016419, OMIM 114480. Disease mechanism: loss of function.
Fanconi anemia complementation group J. Also called: BRIP1-Related Fanconi Anemia. Identifiers: Orphanet 84, MedGen C1836860, MONDO:0012187, OMIM 609054.

Allele frequency attached by ClinVar (database versions not stated): gnomAD exomes below 0.00001.
gnomAD v4.1: 1 of 1,613,766 alleles (0.000062%); highest among the groups gnomAD compares: East Asian, 0.0022%; no homozygotes.

Submissions (3):

Labcorp Genetics (formerly Invitae), Labcorp
Classification: Pathogenic for Familial cancer of breast; Fanconi anemia complementation group J. Last evaluated: 2025-04-21. Review status: criteria provided, single submitter. Criteria: Invitae Variant Classification Sherloc (09022015). Collection method: clinical testing. Allele origin: germline.
Comment: This sequence change creates a premature translational stop signal (p.Gln322*) in the BRIP1 gene. It is expected to result in an absent or disrupted protein product. Loss-of-function variants in BRIP1 are known to be pathogenic (PMID: 16116423, 17033622, 21964575). This variant is not present in population databases (gnomAD no frequency). This variant has not been reported in the literature in individuals affected with BRIP1-related conditions. ClinVar contains an entry for this variant (Variation ID: 133763). Algorithms developed to predict the effect of sequence changes on RNA splicing suggest that this variant may disrupt the consensus splice site. For these reasons, this variant has been classified as Pathogenic.

Myriad Genetics, Inc.
Classification: Pathogenic for Familial cancer of breast. Last evaluated: 2023-06-01. Review status: criteria provided, single submitter. Criteria: Myriad Autosomal Dominant, Autosomal Recessive and X-Linked Classification Criteria (2023). Collection method: clinical testing. Allele origin: unknown.
Comment: This variant is considered pathogenic. This variant creates a termination codon and is predicted to result in premature protein truncation.

ITMI
No classification provided. Condition: AllHighlyPenetrant. Last evaluated: 2013-09-19. Review status: no classification provided. Collection method: reference population. Allele origin: germline. Not counted in ClinVar's aggregate classification.
Comment: Please see associated publication for description of ethnicities

Literature cited by the submitters: PubMed 16116423 (cited by Labcorp Genetics (formerly Invitae), Labcorp); PubMed 17033622 (cited by Labcorp Genetics (formerly Invitae), Labcorp); PubMed 21964575 (cited by Labcorp Genetics (formerly Invitae), Labcorp); PubMed 24728327 (cited by ITMI).

NM_032043.3(BRIP1):c.964C>T (p.Gln322Ter)

Gene: BRIP1 (BRCA1 interacting DNA helicase 1; minus strand). Cytogenetic location: 17q23.2.
Variant type: single nucleotide variant.
Coding change: c.964C>T on transcript NM_032043.3 (MANE Select); coding-DNA position 964, C replaced by T.
Protein change: p.Gln322Ter; replaces glutamine 322 with a stop codon.
Molecular consequence: nonsense.
Genome position (GRCh38, 1-based): chr17:61,801,429, G>A on the plus strand (C>T on the coding strand, the complement: BRIP1 is on the minus strand). VCF-style: chr17-61801429-G-A. GRCh37 (hg19) VCF-style: chr17-59878790-G-A.
Other names: short protein forms Q322*.
Identifiers: ClinVar variation 133763 (VCV000133763.9), dbSNP rs587778139, ClinGen allele CA157732.